The following is an entry in ClinVar:

NM_032119.4(ADGRV1):c.11581-2dup

Gene: ADGRV1 (adhesion G protein-coupled receptor V1; plus strand). Cytogenetic location: 5q14.3.
Variant type: Duplication.
Coding change: c.11581-2dup on transcript NM_032119.4 (MANE Select); the canonical splice acceptor site of the intron before coding-DNA position 11581, one base duplicated (A; older notation c.11581-2dupA).
Molecular consequence: splice acceptor variant.
Genome position (GRCh38, 1-based): chr5:90,756,452, A duplicated. VCF-style (leftmost placement, unchanged base first): chr5-90756451-C-CA. GRCh37 (hg19) VCF-style: chr5-90052268-C-CA.
Other names: c.11581-2dupA (NM_032119.4).
Identifiers: ClinVar variation 666787 (VCV000666787.12), dbSNP rs745783842, ClinGen allele CA3341008.
Genomic context (GRCh38, chr5:90,756,451, plus strand): 5'-ATTCAATGCAAGTTAAATGTCTTAAAAAAAAATGAAACACCATCTTTTTCCCCCATCCCC[C>CA]AGGATGACCTTCCTGAATTGGAGGAAGGATTTATTGTCACTATCACTGAGGTGAACCTGG-3'

ClinVar aggregate classification (germline): Uncertain significance. Review status: criteria provided, multiple submitters, no conflicts (2 of 4 stars). 5 submissions from 5 submitters: Uncertain significance (5). Last evaluated 2026-02-25.

Conditions:
ADGRV1-related disorder. Also called: ADGRV1-related disorders; ADGRV1-related condition.

Allele frequency attached by ClinVar (database versions not stated): ExAC 0.00003; gnomAD exomes 0.00003; TOPMed 0.00006; gnomAD 0.00007.

Submissions (5):

PreventionGenetics, part of Exact Sciences
Classification: Uncertain significance for ADGRV1-related condition. Last evaluated: 2026-02-25. Review status: criteria provided, single submitter. Criteria: ACMG Guidelines, 2015. Collection method: clinical testing. Allele origin: germline.
Comment: The ADGRV1 c.11581-2dupA variant is predicted to result in an intronic duplication. This variant is predicted to alter splicing based on available splicing prediction software (SpliceAI, Jaganathan et al. 2019. PubMed ID: 30661751). However, the use of computer prediction softwares is not equivalent to functional evidence. To our knowledge, this variant has not been reported in the literature. This variant is reported in 0.0071% of alleles in individuals of European (Non-Finnish) descent in gnomAD. At this time, the clinical significance of this variant is uncertain due to the absence of conclusive functional and genetic evidence.

Women's Health and Genetics/Laboratory Corporation of America, LabCorp
Classification: Uncertain significance. Last evaluated: 2025-10-06. Review status: criteria provided, single submitter. Criteria: LabCorp Variant Classification Summary - May 2015. Collection method: clinical testing. Allele origin: germline.
Comment: Variant summary: ADGRV1 c.11581-2dupA is located in a canonical splice-site and is predicted to affect mRNA splicing resulting in a significantly altered protein due to either exon skipping, shortening, or inclusion of intronic material. Variants that disrupt the consensus splice site are a relatively common cause of aberrant splicing and loss of ADGRV1 function. Several computational tools predict a significant impact on normal splicing: Three predict the variant weakens a 3' acceptor site. One predict the variant abolishes a 3' acceptor site. However, these predictions have yet to be confirmed by functional studies. The variant allele was found at a frequency of 2.5e-05 in 199044 control chromosomes (gnomAD). The available data on variant occurrences in the general population are insufficient to allow any conclusion about variant significance. To our knowledge, no occurrence of c.11581-2dupA in individuals affected with ADGRV1-related conditions and no experimental evidence demonstrating its impact on protein function have been reported. ClinVar contains an entry for this variant (Variation ID: 666787). Based on the evidence outlined above, the variant was classified as uncertain significance.

Blueprint Genetics
Classification: Uncertain significance. Last evaluated: 2024-04-12. Review status: criteria provided, single submitter. Criteria: ACMG Guidelines, 2015. Collection method: clinical testing. Allele origin: germline.

Labcorp Genetics (formerly Invitae), Labcorp
Classification: Uncertain significance. Last evaluated: 2022-08-16. Review status: criteria provided, single submitter. Criteria: Invitae Variant Classification Sherloc (09022015). Collection method: clinical testing. Allele origin: germline.
Comment: This sequence change falls in intron 55 of the ADGRV1 gene. It does not directly change the encoded amino acid sequence of the ADGRV1 protein. It affects a nucleotide within the consensus splice site. This variant is present in population databases (rs745783842, gnomAD 0.007%). This variant has not been reported in the literature in individuals affected with ADGRV1-related conditions. ClinVar contains an entry for this variant (Variation ID: 666787). Variants that disrupt the consensus splice site are a relatively common cause of aberrant splicing (PMID: 17576681, 9536098). Algorithms developed to predict the effect of sequence changes on RNA splicing suggest that this variant may disrupt the consensus splice site. In summary, the available evidence is currently insufficient to determine the role of this variant in disease. Therefore, it has been classified as a Variant of Uncertain Significance.

Laboratory for Molecular Medicine, Mass General Brigham Personalized Medicine
Classification: Uncertain significance. Last evaluated: 2019-01-02. Review status: criteria provided, single submitter. Criteria: LMM Criteria. Collection method: clinical testing. Allele origin: germline. Observed: 2 variant alleles.
Comment: This variant has been identified in 0.007% (8/112358 ) of European chromosomes by gnomAD. This var iant is located in the 3' splice region, though it does not disrupt the canonica l splice site (+/- 1,2). Splice prediction tools do not provide strong support f or or against an impact to splicing. In summary, the clinical significance of th is variant is uncertain. ACMG/AMP Criteria applied: PM2, PM3_Supporting.

Literature cited by the submitters: PubMed 17576681 (cited by Labcorp Genetics (formerly Invitae), Labcorp); PubMed 9536098 (cited by Labcorp Genetics (formerly Invitae), Labcorp).